The following is an entry in ClinVar:

NM_001283009.2(RTEL1):c.2839A>C (p.Asn947His)

Genes: RTEL1 (regulator of telomere elongation helicase 1; plus strand), RTEL1-TNFRSF6B (RTEL1-TNFRSF6B readthrough (NMD candidate); plus strand). Cytogenetic location: 20q13.33.
Variant type: single nucleotide variant.
Coding change: c.2839A>C on transcript NM_001283009.2 (MANE Select); coding-DNA position 2839, A replaced by C.
Protein change: p.Asn947His; replaces asparagine 947 with histidine.
Molecular consequence: missense variant. On other transcripts: non-coding transcript variant (1).
Genome position (GRCh38, 1-based): chr20:63,692,991, A>C. VCF-style: chr20-63692991-A-C. GRCh37 (hg19) VCF-style: chr20-62324344-A-C.
Other names: c.2170A>C, p.Asn724His (NM_001283010.1); c.2839A>C, p.Asn947His (NM_016434.4); c.2911A>C, p.Asn971His (NM_032957.5); short protein forms N947H, N724H, N971H.
Identifiers: ClinVar variation 2185254 (VCV002185254.4), dbSNP rs1481319796, ClinGen allele CA409683130.
Genomic context (GRCh38, chr20:63,692,991, plus strand): 5'-GACTTCGCCGCCCTGGCCGCCTGTCTCGGCCCCCTCTTTGCTGAGGACCCCAAGAAGCAC[A>C]ACCTGCTCCAAGGTGCCCTGGCTTGCAGAGGCCACCCACCCTGAGGGCAGTGCTGCCGCC-3'
Protein context (NP_001269938.1, residues 937-957): PLFAEDPKKH[Asn947His]LLQGFYQFVR

ClinVar aggregate classification (germline): Uncertain significance (1 of 4 stars; one submission).

Conditions:
Pulmonary fibrosis and/or bone marrow failure, Telomere-related, 3. Also called: PULMONARY FIBROSIS AND/OR BONE MARROW FAILURE SYNDROME, TELOMERE-RELATED, 3. Identifiers: Orphanet 2032, MedGen C4225346, MONDO:0014613, OMIM 616373.
Dyskeratosis congenita, autosomal recessive 5 (DKCB5). Identifiers: MedGen C3554656, MONDO:0014076, OMIM 615190.

Allele frequency attached by ClinVar (database versions not stated): gnomAD exomes below 0.00001.
gnomAD v4.1: 1 of 1,612,584 alleles (0.000062%); highest among the groups gnomAD compares: Admixed American, 0.0017%; no homozygotes.

Submission:

Labcorp Genetics (formerly Invitae), Labcorp
Classification: Uncertain significance for Dyskeratosis congenita, autosomal recessive 5; Pulmonary fibrosis and/or bone marrow failure, Telomere-related, 3. Last evaluated: 2022-03-19. Review status: criteria provided, single submitter. Criteria: Invitae Variant Classification Sherloc (09022015). Collection method: clinical testing. Allele origin: germline.
Comment: This variant is present in population databases (no rsID available, gnomAD 0.003%). This sequence change replaces asparagine, which is neutral and polar, with histidine, which is basic and polar, at codon 947 of the RTEL1 protein (p.Asn947His). In summary, the available evidence is currently insufficient to determine the role of this variant in disease. Therefore, it has been classified as a Variant of Uncertain Significance. Algorithms developed to predict the effect of missense changes on protein structure and function (SIFT, PolyPhen-2, Align-GVGD) all suggest that this variant is likely to be tolerated. This variant has not been reported in the literature in individuals affected with RTEL1-related conditions.